The following is an entry in ClinVar:

NM_001007228.2(SPOP):c.305T>G (p.Phe102Cys)

Gene: SPOP (speckle type BTB/POZ protein; minus strand). Cytogenetic location: 17q21.33.
Variant type: single nucleotide variant.
Coding change: c.305T>G on transcript NM_001007228.2 (MANE Select); coding-DNA position 305, T replaced by G.
Protein change: p.Phe102Cys; replaces phenylalanine 102 with cysteine.
Molecular consequence: missense variant.
Genome position (GRCh38, 1-based): chr17:49,619,281, A>C on the plus strand (T>G on the coding strand, the complement: SPOP is on the minus strand). VCF-style: chr17-49619281-A-C. GRCh37 (hg19) VCF-style: chr17-47696643-A-C.
Other names: c.305T>G, p.Phe102Cys (NM_001007226.1, NM_001007227.1, NM_001007229.1 and 5 more transcripts); short protein forms F102C.
Identifiers: ClinVar variation 161486 (VCV000161486.5), dbSNP rs193920894, ClinGen allele CA333566.

ClinVar aggregate classification (germline): Conflicting classifications of pathogenicity. Review status: no assertion criteria provided (0 of 4 stars). 2 submissions from 2 submitters: Likely pathogenic (1); Uncertain significance (1).
ClinVar aggregate classification (oncogenicity): Likely oncogenic (1 of 4 stars; one submission).

Conditions:
Prostate cancer. Also called: Malignant tumor of prostate. Identifiers: Orphanet 1331, MedGen C0376358, MONDO:0008315, HP:0012125.
Neoplasm. Also called: Neoplasms; Neoplasm (disease); tumor. Identifiers: MedGen C0027651, MeSH D009369, MONDO:0005070, HP:0002664.

Submissions (3):

Center for Genomic Medicine, Rigshospitalet, Copenhagen University Hospital
Classification: Likely oncogenic for Neoplasm. Last evaluated: 2025-03-04. Review status: criteria provided, single submitter. Criteria: ClinGen/CGC/VICC Guidelines for Oncogenicity, 2022. Collection method: clinical testing. Allele origin: somatic. Affected: yes.

Prostate Cancer Research Center, Institute of Biosciences and Medical Technology, University of Tampere
Classification: Likely pathogenic for Prostate cancer. Review status: no assertion criteria provided. Collection method: research. Allele origin: somatic. Affected: yes. Observed: 1 variant allele.

Science for Life laboratory,  Karolinska Institutet
Classification: Uncertain significance for Malignant tumor of prostate. Review status: no assertion criteria provided. Collection method: not provided. Allele origin: somatic.
Comment: TumorID:SWE-18
ClinVar note: Converted during submission from Unknown to Uncertain significance.

Literature cited by the submitters: PubMed 24508459 (cited by Center for Genomic Medicine, Rigshospitalet, Copenhagen University Hospital); PubMed 29996942 (cited by Center for Genomic Medicine, Rigshospitalet, Copenhagen University Hospital); PubMed 26344095 (cited by Center for Genomic Medicine, Rigshospitalet, Copenhagen University Hospital); PubMed 28599312 (cited by Center for Genomic Medicine, Rigshospitalet, Copenhagen University Hospital); PubMed 28805820 (cited by Center for Genomic Medicine, Rigshospitalet, Copenhagen University Hospital).